The following is an entry in ClinVar:

NM_012414.4(RAB3GAP2):c.206C>T (p.Thr69Ile)

Gene: RAB3GAP2 (RAB3 GTPase activating non-catalytic protein subunit 2; minus strand). Cytogenetic location: 1q41.
Variant type: single nucleotide variant.
Coding change: c.206C>T on transcript NM_012414.4 (MANE Select); coding-DNA position 206, C replaced by T.
Protein change: p.Thr69Ile; replaces threonine 69 with isoleucine.
Molecular consequence: missense variant.
Genome position (GRCh38, 1-based): chr1:220,213,954, G>A on the plus strand (C>T on the coding strand, the complement: RAB3GAP2 is on the minus strand). VCF-style: chr1-220213954-G-A. GRCh37 (hg19) VCF-style: chr1-220387296-G-A.
Other names: short protein forms T69I.
Identifiers: ClinVar variation 2622934 (VCV002622934.5), dbSNP rs2528727430, ClinGen allele CA344731138.

ClinVar aggregate classification (germline): Uncertain significance. Review status: criteria provided, multiple submitters, no conflicts (2 of 4 stars). 2 submissions from 2 submitters: Uncertain significance (2). Last evaluated 2023-09-12.

Conditions:
Martsolf syndrome (MARTS). Also called: Congenital cataract with intellectual disability and hypogonadotropic hypogonadism syndrome. Identifiers: Orphanet 1387, MedGen C0796037, MONDO:0023910.
Warburg micro syndrome 2 (WARBM2). Also called: MICRO SYNDROME 2. Identifiers: Orphanet 2510, MedGen C3280214, MONDO:0013641, OMIM 614225.
Inborn genetic diseases. Identifiers: MedGen C0950123, MeSH D030342.

Submissions (2):

Ambry Genetics
Classification: Uncertain significance for Inborn genetic diseases. Last evaluated: 2023-09-12. Review status: criteria provided, single submitter. Criteria: Ambry Variant Classification Scheme 2023. Collection method: clinical testing. Allele origin: germline.

Labcorp Genetics (formerly Invitae), Labcorp
Classification: Uncertain significance for Martsolf syndrome; Warburg micro syndrome 2. Last evaluated: 2023-08-10. Review status: criteria provided, single submitter. Criteria: Invitae Variant Classification Sherloc (09022015). Collection method: clinical testing. Allele origin: germline.
Comment: In summary, the available evidence is currently insufficient to determine the role of this variant in disease. Therefore, it has been classified as a Variant of Uncertain Significance. Advanced modeling of protein sequence and biophysical properties (such as structural, functional, and spatial information, amino acid conservation, physicochemical variation, residue mobility, and thermodynamic stability) performed at Invitae indicates that this missense variant is not expected to disrupt RAB3GAP2 protein function. This variant has not been reported in the literature in individuals affected with RAB3GAP2-related conditions. This variant is not present in population databases (gnomAD no frequency). This sequence change replaces threonine, which is neutral and polar, with isoleucine, which is neutral and non-polar, at codon 69 of the RAB3GAP2 protein (p.Thr69Ile).